The following is an entry in ClinVar:

ClinVar aggregate classification (germline): Uncertain significance (1 of 4 stars; one submission).

Conditions:
Hereditary breast ovarian cancer syndrome. Also called: Hereditary breast and ovarian cancer syndrome; Breast and ovarian cancer; BRCA1- and BRCA2-Associated Hereditary Breast and Ovarian Cancer; Hereditary breast and ovarian cancer syndrome (HBOC); Hereditary breast and/or ovarian cancer syndrome; Hereditary breast and ovarian cancer. Identifiers: Orphanet 145, MedGen C0677776, MeSH D061325, MONDO:0003582. Disease mechanism: loss of function.

Allele frequency attached by ClinVar (database versions not stated): ExAC 0.00001.

Submission:

Labcorp Genetics (formerly Invitae), Labcorp
Classification: Uncertain significance for Hereditary breast ovarian cancer syndrome. Last evaluated: 2022-11-27. Review status: criteria provided, single submitter. Criteria: Invitae Variant Classification Sherloc (09022015). Collection method: clinical testing. Allele origin: germline.
Comment: This variant occurs in a non-coding region of the BRCA1 gene. It does not change the encoded amino acid sequence of the BRCA1 protein. This variant is not present in population databases (gnomAD no frequency). This variant has not been reported in the literature in individuals affected with BRCA1-related conditions. Algorithms developed to predict the effect of sequence changes on RNA splicing suggest that this variant is not likely to affect RNA splicing. In summary, the available evidence is currently insufficient to determine the role of this variant in disease. Therefore, it has been classified as a Variant of Uncertain Significance.

NM_007294.4(BRCA1):c.-19-17T>G

Gene: BRCA1 (BRCA1 DNA repair associated; minus strand). Cytogenetic location: 17q21.31.
Variant type: single nucleotide variant.
Coding change: c.-19-17T>G on transcript NM_007294.4 (MANE Select); 17 bases into the intron before 19 bases upstream of the start codon, T replaced by G.
Molecular consequence: intron variant. On other transcripts: 5 prime UTR variant (10).
Genome position (GRCh38, 1-based): chr17:43,124,132, A>C on the plus strand (T>G on the coding strand, the complement: BRCA1 is on the minus strand). VCF-style: chr17-43124132-A-C. GRCh37 (hg19) VCF-style: chr17-41276149-A-C.
Other names: c.-36T>G (NM_001407593.1, NM_001407610.1, NM_001407621.1 and 6 more transcripts); c.-224T>G (NM_001408483.1); c.-61-8353T>G (NM_001408458.1); c.-219+1145T>G (NM_001407967.1); c.-170+1145T>G (NM_001407959.1); c.-8+1145T>G (NM_001407931.1, NM_001407747.1); c.-224+1145T>G (NM_001407962.1, NM_001408512.1, NM_001408510.1); c.-109+1145T>G (NM_001407885.1); and 28 more.
Identifiers: ClinVar variation 2806270 (VCV002806270.3), dbSNP rs769117682, ClinGen allele CA054639.
Genomic context (GRCh38, chr17:43,124,132, plus strand): 5'-CAACGCGAAGAGCAGATAAATCCATTTCTTTCTGTTCCAATGAACTTTAACACATTAGAA[A>C]AACATATATATATATCTTTTTAAAAGGTTTATAAAATGACAACTTCATTTTATCATTTTA-3'